The following is an entry in ClinVar:

ClinVar aggregate classification (germline): Uncertain significance. Review status: criteria provided, multiple submitters, no conflicts (2 of 4 stars). 2 submissions from 2 submitters: Uncertain significance (2). Last evaluated 2025-08-14.

Conditions:
Inborn genetic diseases. Identifiers: MedGen C0950123, MeSH D030342.
Amyotrophic lateral sclerosis type 21. Also called: VOCAL CORD AND PHARYNGEAL DYSFUNCTION WITH DISTAL MYOPATHY; MYOPATHY, DISTAL, 2. Identifiers: Orphanet 600, Orphanet 803, MedGen C3807521, MONDO:0011632, OMIM 606070.

Submissions (2):

Labcorp Genetics (formerly Invitae), Labcorp
Classification: Uncertain significance for Amyotrophic lateral sclerosis type 21. Last evaluated: 2025-08-14. Review status: criteria provided, single submitter. Criteria: Invitae Variant Classification Sherloc (09022015). Collection method: clinical testing. Allele origin: germline.
Comment: This sequence change replaces aspartic acid, which is acidic and polar, with asparagine, which is neutral and polar, at codon 757 of the MATR3 protein (p.Asp757Asn). This variant is not present in population databases (gnomAD no frequency). This variant has not been reported in the literature in individuals affected with MATR3-related conditions. Invitae Evidence Modeling of protein sequence and biophysical properties (such as structural, functional, and spatial information, amino acid conservation, physicochemical variation, residue mobility, and thermodynamic stability) indicates that this missense variant is not expected to disrupt MATR3 protein function with a negative predictive value of 80%. In summary, the available evidence is currently insufficient to determine the role of this variant in disease. Therefore, it has been classified as a Variant of Uncertain Significance.

Ambry Genetics
Classification: Uncertain significance for Inborn genetic diseases. Last evaluated: 2025-06-22. Review status: criteria provided, single submitter. Criteria: Ambry Variant Classification Scheme 2023. Collection method: clinical testing. Allele origin: germline.

NM_018834.6(MATR3):c.2269G>A (p.Asp757Asn)

Gene: MATR3 (matrin 3; plus strand). Cytogenetic location: 5q31.2.
Variant type: single nucleotide variant.
Coding change: c.2269G>A on transcript NM_018834.6 (MANE Select); coding-DNA position 2269, G replaced by A.
Protein change: p.Asp757Asn; replaces aspartic acid 757 with asparagine.
Molecular consequence: missense variant.
Genome position (GRCh38, 1-based): chr5:139,325,560, G>A. VCF-style: chr5-139325560-G-A. GRCh37 (hg19) VCF-style: chr5-138661249-G-A.
Other names: c.2269G>A, p.Asp757Asn (NM_001400457.1, NM_001400458.1, NM_001400447.1 and 11 more transcripts); c.1408G>A, p.Asp470Asn (NM_001400459.1); c.1399G>A, p.Asp467Asn (NM_001400460.1); c.1369G>A, p.Asp457Asn (NM_001400461.1); c.1255G>A, p.Asp419Asn (NM_001400462.1, NM_001400463.1, NM_001400464.1 and 4 more transcripts); c.2413G>A, p.Asp805Asn (NM_001400442.1, NM_001400443.1, NM_001400444.1 and 2 more transcripts); c.1405G>A, p.Asp469Asn (NM_001194956.2); short protein forms D419N, D457N, D467N, D469N, D470N, D757N, D805N.
Identifiers: ClinVar variation 4104503 (VCV004104503.2).